The following is an entry in ClinVar:

ClinVar aggregate classification (germline): Uncertain significance (1 of 4 stars; one submission).

Submission:

Ambry Genetics
Classification: Uncertain significance. Last evaluated: 2026-08-26. Review status: criteria provided, single submitter. Criteria: Ambry Variant Classification Scheme 2023. Collection method: clinical testing. Allele origin: germline.
Comment: The c.3644-1G>T intronic variant results from a G to T substitution one nucleotide upstream from coding exon 6 of the MLH3 gene. Variants that disrupt the canonical splice site are expected to result in aberrant splicing. In silico splice site analysis predicts that this alteration may result in the creation or strengthening of a novel splice acceptor site. A resulting transcript is predicted to be in-frame and is not expected to trigger nonsense-mediated mRNAdecay; although, direct evidence is unavailable. This nucleotide position is highly conserved in available vertebrate species. Based on the available evidence, the clinical significance of this variant remains unclear.

NM_001040108.2(MLH3):c.3644-1G>T

Gene: MLH3 (mutL homolog 3; minus strand). Cytogenetic location: 14q24.3.
Variant type: single nucleotide variant.
Coding change: c.3644-1G>T on transcript NM_001040108.2 (MANE Select); the canonical splice acceptor site of the intron before coding-DNA position 3644, G replaced by T.
Molecular consequence: splice acceptor variant. On other transcripts: intron variant (1).
Genome position (GRCh38, 1-based): chr14:75,033,491, C>A on the plus strand (G>T on the coding strand, the complement: MLH3 is on the minus strand). VCF-style: chr14-75033491-C-A. GRCh37 (hg19) VCF-style: chr14-75500194-C-A.
Other names: c.3644-1312G>T (NM_014381.3).
Identifiers: ClinVar variation 5024621 (VCV005024621.1).